The following is an entry in ClinVar:

NM_019892.6(INPP5E):c.907G>A (p.Val303Met)

Gene: INPP5E (inositol polyphosphate-5-phosphatase E; minus strand). Cytogenetic location: 9q34.3.
Variant type: single nucleotide variant.
Coding change: c.907G>A on transcript NM_019892.6 (MANE Select); coding-DNA position 907, G replaced by A.
Protein change: p.Val303Met; replaces valine 303 with methionine.
Molecular consequence: missense variant.
Genome position (GRCh38, 1-based): chr9:136,434,769, C>T on the plus strand (G>A on the coding strand, the complement: INPP5E is on the minus strand). VCF-style: chr9-136434769-C-T. GRCh37 (hg19) VCF-style: chr9-139329221-C-T.
Other names: c.907G>A, p.Val303Met (NM_001318502.2); short protein forms V303M.
Identifiers: ClinVar variation 217653 (VCV000217653.19), dbSNP rs746212325, ClinGen allele CA277808.

ClinVar aggregate classification (germline): Pathogenic/Likely pathogenic. Review status: criteria provided, multiple submitters, no conflicts (2 of 4 stars). 6 submissions from 6 submitters: Pathogenic (3); Likely pathogenic (3). Last evaluated 2026-08-29.

Conditions:
INPP5E-related disorder. Also called: INPP5E-related condition.
Joubert syndrome and related disorders. Identifiers: Orphanet 140874, MedGen C5679612, MONDO:0015369.
Joubert syndrome. Also called: Familial aplasia of the vermis; JOUBERT-BOLTSHAUSER SYNDROME. Identifiers: Orphanet 475, MedGen C5979921, MONDO:0018772.

Allele frequency attached by ClinVar (database versions not stated): gnomAD 0.00001 and 0.00002; TOPMed 0.00002; 1000 Genomes Project 30x 0.00016.

Submissions (6):

PreventionGenetics, part of Exact Sciences
Classification: Likely pathogenic for INPP5E-related condition. Last evaluated: 2026-08-29. Review status: criteria provided, single submitter. Criteria: ACMG Guidelines, 2015. Collection method: clinical testing. Allele origin: germline.
Comment: The INPP5E c.907G>A variant is predicted to result in the amino acid substitution p.Val303Met. This variant has been reported in the compound heterozygous state in multiple individuals with Joubert syndrome (Travaglini et al. 2013. PubMed ID: 23386033; Bachmann-Gagescu et al. 2015. PubMed ID: 26092869; Toma et al. 2018. PubMed ID: 29987673). This variant is reported in 0.0032% of alleles in individuals of European (Non-Finnish) descent in gnomAD. This variant is interpreted as likely pathogenic.

Labcorp Genetics (formerly Invitae), Labcorp
Classification: Pathogenic for Joubert syndrome. Last evaluated: 2025-10-26. Review status: criteria provided, single submitter. Criteria: Invitae Variant Classification Sherloc (09022015). Collection method: clinical testing. Allele origin: germline.
Comment: This sequence change replaces valine, which is neutral and non-polar, with methionine, which is neutral and non-polar, at codon 303 of the INPP5E protein (p.Val303Met). This variant is present in population databases (rs746212325, gnomAD 0.003%). This missense change has been observed in individual(s) with Joubert syndrome (PMID: 23386033, 26092869). In at least one individual the data is consistent with being in trans (on the opposite chromosome) from a pathogenic variant. It has also been observed to segregate with disease in related individuals. ClinVar contains an entry for this variant (Variation ID: 217653). Invitae Evidence Modeling of protein sequence and biophysical properties (such as structural, functional, and spatial information, amino acid conservation, physicochemical variation, residue mobility, and thermodynamic stability) indicates that this missense variant is expected to disrupt INPP5E protein function with a positive predictive value of 80%. For these reasons, this variant has been classified as Pathogenic.

Women's Health and Genetics/Laboratory Corporation of America, LabCorp
Classification: Likely pathogenic for Joubert syndrome and related disorders. Last evaluated: 2025-06-13. Review status: criteria provided, single submitter. Criteria: LabCorp Variant Classification Summary - May 2015. Collection method: clinical testing. Allele origin: germline.
Comment: Variant summary: INPP5E c.907G>A (p.Val303Met) results in a conservative amino acid change located in the Inositol polyphosphate-related phosphatase domain of the encoded protein sequence. Algorithms developed to predict the effect of missense changes on protein structure and function are either unavailable or do not agree on the potential impact of this missense change. The variant allele was found at a frequency of 1.2e-05 in 246928 control chromosomes. c.907G>A has been observed in individual(s) affected with Joubert Syndrome And Related Disorders (Travaglini_2013, Bachmann-Gagescu_2015). These data indicate that the variant may be associated with disease. At least one publication reports experimental evidence evaluating an impact on protein function. The most pronounced variant effect results in singificantly reduced ciliary localization (Cilleros-Rodriguez_2022). The following publications have been ascertained in the context of this evaluation (PMID: 26092869, 33270637, 36063381, 29987673, 23386033). ClinVar contains an entry for this variant (Variation ID: 217653). Based on the evidence outlined above, the variant was classified as likely pathogenic.

GeneDx
Classification: Likely pathogenic. Last evaluated: 2023-03-29. Review status: criteria provided, single submitter. Criteria: GeneDx Variant Classification Process June 2021. Collection method: clinical testing. Allele origin: germline. Affected: yes.
Comment: Published functional studies demonstrate the variant results in reduced protein expression compared to wild type (Cilleros-Rodriguez et al., 2022); Not observed at a significant frequency in large population cohorts (gnomAD); In silico analysis, which includes protein predictors and evolutionary conservation, supports that this variant does not alter protein structure/function; This variant is associated with the following publications: (PMID: 26092869, 23386033, 29987673, 26748598, 33270637, 36063381)

Blueprint Genetics
Classification: Pathogenic for INPP5E-related disorders. Last evaluated: 2023-01-09. Review status: criteria provided, single submitter. Criteria: ACMG Guidelines, 2015. Collection method: clinical testing. Allele origin: germline. Affected: yes. Observed: 5 variant alleles.

UW Hindbrain Malformation Research Program, University of Washington
Classification: Pathogenic for Joubert syndrome 1. Last evaluated: 2015-02-23. Review status: criteria provided, single submitter. Criteria: Bachmann-Gagescu et al. (J Med Genet. 2015). Collection method: research. Allele origin: unknown. Affected: yes.

Literature cited by the submitters: PubMed 23386033 (cited by Labcorp Genetics (formerly Invitae), Labcorp and Women's Health and Genetics/Laboratory Corporation of America, LabCorp); PubMed 26092869 (cited by Labcorp Genetics (formerly Invitae), Labcorp and Women's Health and Genetics/Laboratory Corporation of America, LabCorp); PubMed 33270637 (cited by Women's Health and Genetics/Laboratory Corporation of America, LabCorp); PubMed 29987673 (cited by Women's Health and Genetics/Laboratory Corporation of America, LabCorp); PubMed 36063381 (cited by Women's Health and Genetics/Laboratory Corporation of America, LabCorp).